The following is an entry in ClinVar:

NM_000264.5(PTCH1):c.3335A>C (p.Asn1112Thr)

Gene: PTCH1 (patched 1; minus strand). Cytogenetic location: 9q22.32.
Variant type: single nucleotide variant.
Coding change: c.3335A>C on transcript NM_000264.5 (MANE Select); coding-DNA position 3335, A replaced by C.
Protein change: p.Asn1112Thr; replaces asparagine 1112 with threonine.
Molecular consequence: missense variant. On other transcripts: non-coding transcript variant (1).
Genome position (GRCh38, 1-based): chr9:95,453,592, T>G on the plus strand (A>C on the coding strand, the complement: PTCH1 is on the minus strand). VCF-style: chr9-95453592-T-G. GRCh37 (hg19) VCF-style: chr9-98215874-T-G.
Other names: c.3137A>C, p.Asn1046Thr (NM_001083602.3); c.3332A>C, p.Asn1111Thr (NM_001083603.3); c.2882A>C, p.Asn961Thr (NM_001083604.3, NM_001083605.3, NM_001083606.3 and 1 more transcripts); c.3179A>C, p.Asn1060Thr (NM_001354918.2); short protein forms N1046T, N1060T, N1111T, N1112T, N961T.
Identifiers: ClinVar variation 4862693 (VCV004862693.1).

ClinVar aggregate classification (germline): Uncertain significance (1 of 4 stars; one submission).

Conditions:
Hereditary cancer-predisposing syndrome. Also called: Neoplastic Syndromes, Hereditary; Tumor predisposition; Hereditary Cancer Syndrome; Hereditary neoplastic syndrome. Identifiers: Orphanet 140162, MedGen C0027672, MeSH D009386, MONDO:0015356.

Submission:

Ambry Genetics
Classification: Uncertain significance for Hereditary cancer-predisposing syndrome. Last evaluated: 2026-05-14. Review status: criteria provided, single submitter. Criteria: Ambry Variant Classification Scheme 2023. Collection method: clinical testing. Allele origin: germline.
Comment: The p.N1112T variant (also known as c.3335A>C), located in coding exon 20 of the PTCH1 gene, results from an A to C substitution at nucleotide position 3335. The asparagine at codon 1112 is replaced by threonine, an amino acid with similar properties. This amino acid position is conserved. In addition, the in silico prediction for this alteration is inconclusive. Based on the available evidence, the clinical significance of this variant remains unclear.